The following is an entry in ClinVar:

NM_003070.5(SMARCA2):c.2558G>A (p.Gly853Asp)

Gene: SMARCA2 (SWI/SNF related BAF chromatin remodeling complex subunit ATPase 2; plus strand). Cytogenetic location: 9p24.3.
Variant type: single nucleotide variant.
Coding change: c.2558G>A on transcript NM_003070.5 (MANE Select); coding-DNA position 2558, G replaced by A.
Protein change: p.Gly853Asp; replaces glycine 853 with aspartic acid.
Molecular consequence: missense variant.
Genome position (GRCh38, 1-based): chr9:2,086,860, G>A. VCF-style: chr9-2086860-G-A. GRCh37 (hg19) VCF-style: chr9-2086860-G-A.
Other names: c.2558G>A, p.Gly853Asp (NM_001289396.2, NM_001289397.2, NM_139045.4); short protein forms G853D.
Identifiers: ClinVar variation 3895529 (VCV003895529.1).

ClinVar aggregate classification (germline): Pathogenic (1 of 4 stars; one submission).

Conditions:
Nicolaides-Baraitser syndrome (NCBRS). Also called: Intellectual disability-sparse hair-brachydactyly syndrome; SMARCA2-Related Nicolaides-Baraitser Syndrome. Identifiers: Orphanet 3051, MedGen C1303073, MONDO:0011053, OMIM 601358.

Submission:

Molecular Genetics Laboratory, Motol Hospital
Classification: Pathogenic for Nicolaides-Baraitser syndrome. Last evaluated: 2025-05-02. Review status: criteria provided, single submitter. Criteria: ACMG Guidelines, 2015. Collection method: clinical testing. Allele origin: de novo. Affected: yes. Observed: 1 variant allele.
Comment: Rare variant not present in ClinVar, not present in gnomAD (4.1.0), not in non-Finnish European population (PM2). Located in a mutational hot spot in the exon 18 of the SMARCA2 gene (PM1). Rare de novo variants in the SMARCA2 gene (MIM:600014) are a cause of autosomal dominant "Nicolaides-Baraitser syndrome" (MIM:601358; PMID:30639322;PMID:31288860;PMID:19606471;PMID: 8287185;PMID:32694869). Therefore, this variant is classified as pathogenic.

Literature cited by the submitters: PubMed 31288860; PubMed 19606471; PubMed 8287185; PubMed 32694869.